The following is an entry in ClinVar:

ClinVar aggregate classification (germline): Conflicting classifications of pathogenicity. Review status: criteria provided, conflicting classifications (1 of 4 stars). 2 submissions from 2 submitters: Likely pathogenic (1); Uncertain significance (1). Last evaluated 2021-09-29.

Conditions:
3-methylcrotonyl-CoA carboxylase 1 deficiency (MCC1D). Also called: MCCD TYPE 1; METHYLCROTONYLGLYCINURIA TYPE I; MCC 1 deficiency; 3 Alpha methylcrotonylglycinuria 1. Identifiers: Orphanet 6, MedGen CN028786, MONDO:0008861, OMIM 210200.

Submissions (2):

Labcorp Genetics (formerly Invitae), Labcorp
Classification: Uncertain significance for 3-methylcrotonyl-CoA carboxylase 1 deficiency. Last evaluated: 2021-09-29. Review status: criteria provided, single submitter. Criteria: Invitae Variant Classification Sherloc (09022015). Collection method: clinical testing. Allele origin: germline.
Comment: This missense change has been observed in individual(s) with 3MCC deficiency (Invitae). This variant is not present in population databases (ExAC no frequency). This sequence change replaces glutamic acid with lysine at codon 234 of the MCCC1 protein (p.Glu234Lys). The glutamic acid residue is highly conserved and there is a small physicochemical difference between glutamic acid and lysine. In summary, the available evidence is currently insufficient to determine the role of this variant in disease. Therefore, it has been classified as a Variant of Uncertain Significance. Algorithms developed to predict the effect of missense changes on protein structure and function are either unavailable or do not agree on the potential impact of this missense change (SIFT: "Deleterious"; PolyPhen-2: "Probably Damaging"; Align-GVGD: "Class C15").

Clinical Genetics Service, Universitary Hospital 12 de Octubre
Classification: Likely pathogenic for 3-methylcrotonyl-CoA carboxylase 1 deficiency. Review status: criteria provided, single submitter. Criteria: ACMG Guidelines, 2015. Collection method: clinical testing. Allele origin: paternal. Affected: no.

NM_020166.5(MCCC1):c.700G>A (p.Glu234Lys)

Gene: MCCC1 (methylcrotonyl-CoA carboxylase subunit 1; minus strand). Cytogenetic location: 3q27.1.
Variant type: single nucleotide variant.
Coding change: c.700G>A on transcript NM_020166.5 (MANE Select); coding-DNA position 700, G replaced by A.
Protein change: p.Glu234Lys; replaces glutamic acid 234 with lysine.
Molecular consequence: missense variant. On other transcripts: non-coding transcript variant (2).
Genome position (GRCh38, 1-based): chr3:183,071,060, C>T on the plus strand (G>A on the coding strand, the complement: MCCC1 is on the minus strand). VCF-style: chr3-183071060-C-T. GRCh37 (hg19) VCF-style: chr3-182788848-C-T.
Other names: c.700G>A (NM_020166.4); c.349G>A, p.Glu117Lys (NM_001293273.2); c.373G>A, p.Glu125Lys (NM_001363880.1); short protein forms E125K, E117K, E234K.
Identifiers: ClinVar variation 1383076 (VCV001383076.7), dbSNP rs2108525897, ClinGen allele CA355329285.